The following is an entry in ClinVar:

NM_001080397.3(SLC45A1):c.1774+6C>T

Gene: SLC45A1 (solute carrier family 45 member 1; plus strand). Cytogenetic location: 1p36.23.
Variant type: single nucleotide variant.
Coding change: c.1774+6C>T on transcript NM_001080397.3 (MANE Select); 6 bases into the intron after coding-DNA position 1774, C replaced by T.
Molecular consequence: intron variant.
Genome position (GRCh38, 1-based): chr1:8,337,998, C>T. VCF-style: chr1-8337998-C-T. GRCh37 (hg19) VCF-style: chr1-8398058-C-T.
Other names: c.1798+6C>T (NM_001379614.1); c.1705+6C>T (NM_001379615.1); c.1681+6C>T (NM_001379616.1); c.1192+6C>T (NM_001379617.1); c.1168+6C>T (NM_001379618.1).
Identifiers: ClinVar variation 3039569 (VCV003039569.2), dbSNP rs376429651, ClinGen allele CA570499.

ClinVar aggregate classification (germline): Likely benign (0 of 4 stars; one submission).

Conditions:
SLC45A1-related disorder. Also called: SLC45A1-related condition.

Allele frequency attached by ClinVar (database versions not stated): ExAC 0.00003; gnomAD exomes 0.00003; ESP Exome Variant Server 0.00015; 1000 Genomes Project 30x 0.00016; 1000 Genomes Project 0.00020; TOPMed 0.00020; gnomAD 0.00021.
gnomAD v4.1: 82 of 1,611,918 alleles (0.0051%); highest among the groups gnomAD compares: African/African-American, 0.091%; no homozygotes.

Submission:

PreventionGenetics, part of Exact Sciences
Classification: Likely benign for SLC45A1-related condition. Last evaluated: 2019-05-20. Review status: no assertion criteria provided. Collection method: clinical testing. Allele origin: germline.
Comment: This variant is classified as likely benign based on ACMG/AMP sequence variant interpretation guidelines (Richards et al. 2015 PMID: 25741868, with internal and published modifications).